The following is an entry in ClinVar:

NM_145068.4(TRPV3):c.395T>C (p.Val132Ala)

Gene: TRPV3 (transient receptor potential cation channel subfamily V member 3; minus strand). Cytogenetic location: 17p13.2.
Variant type: single nucleotide variant.
Coding change: c.395T>C on transcript NM_145068.4 (MANE Select); coding-DNA position 395, T replaced by C.
Protein change: p.Val132Ala; replaces valine 132 with alanine.
Molecular consequence: missense variant.
Genome position (GRCh38, 1-based): chr17:3,543,545, A>G on the plus strand (T>C on the coding strand, the complement: TRPV3 is on the minus strand). VCF-style: chr17-3543545-A-G. GRCh37 (hg19) VCF-style: chr17-3446839-A-G.
Other names: c.395T>C, p.Val132Ala (NM_001258205.2); short protein forms V132A.
Identifiers: ClinVar variation 322792 (VCV000322792.14), dbSNP rs139870087, ClinGen allele CA8289864.

ClinVar aggregate classification (germline): Benign. Review status: criteria provided, multiple submitters, no conflicts (2 of 4 stars). 4 submissions from 4 submitters: Benign (4). Last evaluated 2026-06-17.

Conditions:
TRPV3-related disorder. Also called: TRPV3-related condition.
Isolated focal non-epidermolytic palmoplantar keratoderma. Also called: Palmoplantar keratoderma, nonepidermolytic, focal 2. Identifiers: Orphanet 448264, MedGen C4225339, MONDO:0014622, OMIM 616400.

Allele frequency attached by ClinVar (database versions not stated): gnomAD 0.00006 and 0.00101; ESP Exome Variant Server 0.00008; TOPMed 0.00021; gnomAD exomes 0.00207 and 0.00419; ExAC 0.00473; 1000 Genomes Project 0.00539; 1000 Genomes Project 30x 0.00547.
gnomAD v4.1: 3,190 of 1,613,958 alleles (0.2%); highest among the groups gnomAD compares: South Asian, 3.3%; 68 homozygotes.

Submissions (4):

PreventionGenetics, part of Exact Sciences
Classification: Benign for TRPV3-related condition. Last evaluated: 2026-06-17. Review status: criteria provided, single submitter. Criteria: ACMG Guidelines, 2015. Collection method: clinical testing. Allele origin: germline.
Comment: This variant is classified as benign based on ACMG/AMP sequence variant interpretation guidelines (Richards et al. 2015 PMID: 25741868, with internal and published modifications).

Labcorp Genetics (formerly Invitae), Labcorp
Classification: Benign. Last evaluated: 2026-02-01. Review status: criteria provided, single submitter. Criteria: Invitae Variant Classification Sherloc (09022015). Collection method: clinical testing. Allele origin: germline.

Illumina Laboratory Services, Illumina
Classification: Benign for Isolated focal non-epidermolytic palmoplantar keratoderma. Last evaluated: 2018-01-13. Review status: criteria provided, single submitter. Criteria: ICSL Variant Classification Criteria 13 December 2019. Collection method: clinical testing. Allele origin: germline.
Comment: This variant was observed in the ICSL laboratory as part of a predisposition screen in an ostensibly healthy population. It had not been previously curated by ICSL or reported in the Human Gene Mutation Database (HGMD: prior to June 1st, 2018), and was therefore a candidate for classification through an automated scoring system. Utilizing variant allele frequency, disease prevalence and penetrance estimates, and inheritance mode, an automated score was calculated to assess if this variant is too frequent to cause the disease. Based on the score and internal cut-off values, a variant classified as benign is not then subjected to further curation. The score for this variant resulted in a classification of benign for this disease.

Breakthrough Genomics
Classification: Benign. Review status: criteria provided, single submitter. Criteria: ACMG Guidelines, 2015. Collection method: not provided. Allele origin: germline. Inheritance: Autosomal dominant inheritance. Affected: yes.